The following is an entry in ClinVar:

ClinVar aggregate classification (germline): Uncertain significance. Review status: criteria provided, multiple submitters, no conflicts (2 of 4 stars). 2 submissions from 2 submitters: Uncertain significance (2). Last evaluated 2025-11-11.

Conditions:
Myopathy, proximal, and ophthalmoplegia (CMYO6). Also called: MYOPATHY WITH CONGENITAL JOINT CONTRACTURES, OPHTHALMOPLEGIA, AND RIMMED VACUOLES; INCLUSION BODY MYOPATHY 3, AUTOSOMAL DOMINANT; CONGENITAL MYOPATHY 6 WITH OPHTHALMOPLEGIA. Identifiers: Orphanet 363677, Orphanet 79091, MedGen C1854106, MONDO:0011577, OMIM 605637.

Allele frequency attached by ClinVar (database versions not stated): gnomAD exomes 0.00001; gnomAD 0.00003; TOPMed 0.00008.
gnomAD v4.1: 25 of 1,614,142 alleles (0.0015%); highest among the groups gnomAD compares: Non-Finnish European, 0.0019%; 1 homozygote.

Submissions (2):

Women's Health and Genetics/Laboratory Corporation of America, LabCorp
Classification: Uncertain significance. Last evaluated: 2025-11-11. Review status: criteria provided, single submitter. Criteria: LabCorp Variant Classification Summary - May 2015. Collection method: clinical testing. Allele origin: germline.
Comment: Variant summary: MYH2 c.2698-3A>G alters a non-conserved nucleotide located close to a canonical splice site and therefore could affect mRNA splicing, leading to a significantly altered protein sequence. Consensus agreement among computation tools predict no significant impact on normal splicing. However, these predictions have yet to be confirmed by functional studies. The variant allele was found at a frequency of 4e-06 in 251430 control chromosomes. The available data on variant occurrences in the general population are insufficient to allow any conclusion about variant significance. To our knowledge, no occurrence of c.2698-3A>G in individuals affected with MYH2-related conditions and no experimental evidence demonstrating its impact on protein function have been reported. ClinVar contains an entry for this variant (Variation ID: 2156635). Based on the evidence outlined above, the variant was classified as uncertain significance.

Labcorp Genetics (formerly Invitae), Labcorp
Classification: Uncertain significance for Myopathy, proximal, and ophthalmoplegia. Last evaluated: 2023-03-23. Review status: criteria provided, single submitter. Criteria: Invitae Variant Classification Sherloc (09022015). Collection method: clinical testing. Allele origin: germline.
Comment: This sequence change falls in intron 22 of the MYH2 gene. It does not directly change the encoded amino acid sequence of the MYH2 protein. It affects a nucleotide within the consensus splice site. This variant is present in population databases (no rsID available, gnomAD 0.007%). This variant has not been reported in the literature in individuals affected with MYH2-related conditions. ClinVar contains an entry for this variant (Variation ID: 2156635). Variants that disrupt the consensus splice site are a relatively common cause of aberrant splicing (PMID: 17576681, 9536098). Algorithms developed to predict the effect of sequence changes on RNA splicing suggest that this variant may create or strengthen a splice site. In summary, the available evidence is currently insufficient to determine the role of this variant in disease. Therefore, it has been classified as a Variant of Uncertain Significance.

Literature cited by the submitters: PubMed 17576681 (cited by Labcorp Genetics (formerly Invitae), Labcorp); PubMed 9536098 (cited by Labcorp Genetics (formerly Invitae), Labcorp).

NM_017534.6(MYH2):c.2698-3A>G

Genes: MYHAS (myosin heavy chain gene cluster antisense RNA; plus strand), MYH2 (myosin heavy chain 2; minus strand). Cytogenetic location: 17p13.1.
Variant type: single nucleotide variant.
Coding change: c.2698-3A>G on transcript NM_017534.6 (MANE Select); 3 bases into the intron before coding-DNA position 2698, A replaced by G.
Molecular consequence: intron variant.
Genome position (GRCh38, 1-based): chr17:10,530,077, T>C on the plus strand (A>G on the coding strand, the complement: MYH2 is on the minus strand). VCF-style: chr17-10530077-T-C. GRCh37 (hg19) VCF-style: chr17-10433394-T-C.
Other names: c.2698-3A>G (NM_001100112.2).
Identifiers: ClinVar variation 2156635 (VCV002156635.5), dbSNP rs1036741772, ClinGen allele CA287739308.